The following is an entry in ClinVar:

NM_001352754.2(ARMC9):c.767T>A (p.Val256Asp)

Gene: ARMC9 (armadillo repeat containing 9; plus strand). Cytogenetic location: 2q37.1.
Variant type: single nucleotide variant.
Coding change: c.767T>A on transcript NM_001352754.2 (MANE Select); coding-DNA position 767, T replaced by A.
Protein change: p.Val256Asp; replaces valine 256 with aspartic acid.
Molecular consequence: missense variant. On other transcripts: non-coding transcript variant (1).
Genome position (GRCh38, 1-based): chr2:231,235,368, T>A. VCF-style: chr2-231235368-T-A. GRCh37 (hg19) VCF-style: chr2-232100081-T-A.
Other names: c.767T>A, p.Val256Asp (NM_001271466.4, NM_001291656.2, NM_001352755.2 and 5 more transcripts); short protein forms V256D.
Identifiers: ClinVar variation 1998709 (VCV001998709.4), dbSNP rs2469664114, ClinGen allele CA350951353.
Genomic context (GRCh38, chr2:231,235,368, plus strand): 5'-CCGACTACCACAATCTCATTGGAGTCACAGCAGAGCTGGTGGATTCTCTAGAGGCCACAG[T>A]CAGCGGCAAGATGGTAAGGAAGATCCCTAATTGTGTGTATGTCTGTTTGGCAATGAAGAA-3'
Protein context (NP_001339683.2, residues 246-266): AELVDSLEAT[Val256Asp]SGKMITPEYL

ClinVar aggregate classification (germline): Uncertain significance (1 of 4 stars; one submission).

Submission:

Labcorp Genetics (formerly Invitae), Labcorp
Classification: Uncertain significance. Last evaluated: 2022-10-13. Review status: criteria provided, single submitter. Criteria: Invitae Variant Classification Sherloc (09022015). Collection method: clinical testing. Allele origin: germline.
Comment: This sequence change replaces valine, which is neutral and non-polar, with aspartic acid, which is acidic and polar, at codon 256 of the ARMC9 protein (p.Val256Asp). This variant is not present in population databases (gnomAD no frequency). This variant has not been reported in the literature in individuals affected with ARMC9-related conditions. Experimental studies and prediction algorithms are not available or were not evaluated, and the functional significance of this variant is currently unknown. In summary, the available evidence is currently insufficient to determine the role of this variant in disease. Therefore, it has been classified as a Variant of Uncertain Significance.